The following is an entry in ClinVar:

NM_001792.5(CDH2):c.1105G>A (p.Val369Ile)

Gene: CDH2 (cadherin 2; minus strand). Cytogenetic location: 18q12.1.
Variant type: single nucleotide variant.
Coding change: c.1105G>A on transcript NM_001792.5 (MANE Select); coding-DNA position 1105, G replaced by A.
Protein change: p.Val369Ile; replaces valine 369 with isoleucine.
Molecular consequence: missense variant.
Genome position (GRCh38, 1-based): chr18:27,993,553, C>T on the plus strand (G>A on the coding strand, the complement: CDH2 is on the minus strand). VCF-style: chr18-27993553-C-T. GRCh37 (hg19) VCF-style: chr18-25573517-C-T.
Other names: c.1012G>A, p.Val338Ile (NM_001308176.2); short protein forms V369I, V338I.
Identifiers: ClinVar variation 1793610 (VCV001793610.5), dbSNP rs149610799, ClinGen allele CA8923517.

ClinVar aggregate classification (germline): Conflicting classifications of pathogenicity. Review status: criteria provided, conflicting classifications (1 of 4 stars). 2 submissions from 2 submitters: Uncertain significance (1); Likely benign (1). Last evaluated 2025-09-13.

Conditions:
Inborn genetic diseases. Identifiers: MedGen C0950123, MeSH D030342.

Allele frequency attached by ClinVar (database versions not stated): gnomAD 0.00002; TOPMed 0.00002; ExAC 0.00002; ESP Exome Variant Server 0.00008; gnomAD exomes 0.00001.
gnomAD v4.1: 23 of 1,613,956 alleles (0.0014%); highest among the groups gnomAD compares: Admixed American, 0.0033%; no homozygotes.

Submissions (2):

Labcorp Genetics (formerly Invitae), Labcorp
Classification: Uncertain significance. Last evaluated: 2025-09-13. Review status: criteria provided, single submitter. Criteria: Invitae Variant Classification Sherloc (09022015). Collection method: clinical testing. Allele origin: germline.
Comment: This sequence change replaces valine, which is neutral and non-polar, with isoleucine, which is neutral and non-polar, at codon 369 of the CDH2 protein (p.Val369Ile). This variant is present in population databases (rs149610799, gnomAD 0.006%). This variant has not been reported in the literature in individuals affected with CDH2-related conditions. ClinVar contains an entry for this variant (Variation ID: 1793610). An algorithm developed to predict the effect of missense changes on protein structure and function outputs the following: PolyPhen-2: "Probably Damaging". The isoleucine amino acid residue is found in multiple mammalian species, which suggests that this missense change does not adversely affect protein function. In summary, the available evidence is currently insufficient to determine the role of this variant in disease. Therefore, it has been classified as a Variant of Uncertain Significance.

Ambry Genetics
Classification: Likely benign for Inborn genetic diseases. Last evaluated: 2022-02-08. Review status: criteria provided, single submitter. Criteria: Ambry Variant Classification Scheme 2023. Collection method: clinical testing. Allele origin: germline.